The following is an entry in ClinVar:

NM_001134407.3(GRIN2A):c.2168+1G>C

Gene: GRIN2A (glutamate ionotropic receptor NMDA type subunit 2A; minus strand). Cytogenetic location: 16p13.2.
Variant type: single nucleotide variant.
Coding change: c.2168+1G>C on transcript NM_001134407.3 (MANE Select); the canonical splice donor site of the intron after coding-DNA position 2168, G replaced by C.
Molecular consequence: splice donor variant.
Genome position (GRCh38, 1-based): chr16:9,822,263, C>G on the plus strand (G>C on the coding strand, the complement: GRIN2A is on the minus strand). VCF-style: chr16-9822263-C-G. GRCh37 (hg19) VCF-style: chr16-9916120-C-G.
Other names: c.2168+1G>C (NM_001134408.2, NM_000833.5).
Identifiers: ClinVar variation 1489402 (VCV001489402.7), dbSNP rs2141294532, ClinGen allele CA394797641.

ClinVar aggregate classification (germline): Pathogenic/Likely pathogenic. Review status: criteria provided, multiple submitters, no conflicts (2 of 4 stars). 2 submissions from 2 submitters: Pathogenic (1); Likely pathogenic (1). Last evaluated 2024-10-04.

Conditions:
Landau-Kleffner syndrome (FESD). Also called: EPILEPSY, FOCAL, WITH SPEECH DISORDER AND WITH OR WITHOUT MENTAL RETARDATION; APHASIA, ACQUIRED, WITH EPILEPSY. Identifiers: Orphanet 1945, Orphanet 725, Orphanet 98818, MedGen C0282512, MONDO:0009509, OMIM 245570.
Epilepsy. Also called: Seizure disorder. Identifiers: MedGen C0014544, MeSH D004827, MONDO:0005027.

Submissions (2):

Dubai Health Genomic Medicine Center, Dubai Health
Classification: Likely pathogenic for Epilepsy. Last evaluated: 2024-10-04. Review status: criteria provided, single submitter. Criteria: ACMG Guidelines, 2015. Collection method: research. Allele origin: germline. Affected: yes.
Comment: PVS1strong,PM2

Labcorp Genetics (formerly Invitae), Labcorp
Classification: Pathogenic for Landau-Kleffner syndrome. Last evaluated: 2024-09-06. Review status: criteria provided, single submitter. Criteria: Invitae Variant Classification Sherloc (09022015). Collection method: clinical testing. Allele origin: germline.
Comment: This sequence change affects a donor splice site in intron 11 of the GRIN2A gene. It is expected to disrupt RNA splicing. Variants that disrupt the donor or acceptor splice site typically lead to a loss of protein function (PMID: 16199547), and loss-of-function variants in GRIN2A are known to be pathogenic (PMID: 23933819, 23933820). This variant is not present in population databases (gnomAD no frequency). Disruption of this splice site has been observed in individual(s) with clinical features of developmental and epileptic encephalopathy (internal data). In at least one individual the variant was observed to be de novo. ClinVar contains an entry for this variant (Variation ID: 1489402). Algorithms developed to predict the effect of sequence changes on RNA splicing suggest that this variant may disrupt the consensus splice site. For these reasons, this variant has been classified as Pathogenic.

Literature cited by the submitters: PubMed 16199547 (cited by Labcorp Genetics (formerly Invitae), Labcorp); PubMed 23933819 (cited by Labcorp Genetics (formerly Invitae), Labcorp); PubMed 23933820 (cited by Labcorp Genetics (formerly Invitae), Labcorp).